The following is an entry in ClinVar:

NM_032520.5(GNPTG):c.183del (p.Val62fs)

Gene: GNPTG (N-acetylglucosamine-1-phosphate transferase subunit gamma; plus strand). Cytogenetic location: 16p13.3.
Variant type: Deletion.
Coding change: c.183del on transcript NM_032520.5 (MANE Select); coding-DNA position 183, one base deleted (C; older notation c.183delC).
Protein change: p.Val62fs; shifts the reading frame from valine 62.
Molecular consequence: frameshift variant.
Genome position (GRCh38, 1-based): chr16:1,361,747, C deleted; the last of 3 consecutive C bases (chr16:1,361,745-1,361,747); deleting any one gives the same sequence. VCF-style (leftmost placement, unchanged base first): chr16-1361744-AC-A. GRCh37 (hg19) VCF-style: chr16-1411745-AC-A.
Other names: short protein forms V62fs.
Identifiers: ClinVar variation 4068898 (VCV004068898.2).

ClinVar aggregate classification (germline): Likely pathogenic (1 of 4 stars; one submission).

Conditions:
GNPTG-mucolipidosis. Also called: Mucolipidosis type III gamma; ML III GAMMA; ML IIIC; MUCOLIPIDOSIS III, COMPLEMENTATION GROUP C; MUCOLIPIDOSIS III, IRANIAN VARIANT FORM; MUCOLIPIDOSIS III, VARIANT FORM. Identifiers: Orphanet 423470, Orphanet 577, MedGen C1854896, MONDO:0009652, OMIM 252605.

Submission:

Natera, Inc.
Classification: Likely pathogenic for Mucolipidosis III gamma. Last evaluated: 2025-01-20. Review status: criteria provided, single submitter. Criteria: Natera Variant Classification Schema (03/2026). Collection method: clinical testing. Allele origin: germline.
Comment: The c.183del variant in GNPTG is a frameshift variant predicted to shift the reading frame beginning at codon 62 and leads to a stop codon 28 codons downstream. This variant is expected to result in nonsense mediated decay, truncation, or a dysfunctional protein product. This variant is rare in the general population with a frequency below the threshold expected for the associated phenotype(s). Given the available evidence, this variant is classified as Likely Pathogenic.